The following is an entry in ClinVar:

ClinVar aggregate classification (germline): Uncertain significance. Review status: criteria provided, multiple submitters, no conflicts (2 of 4 stars). 2 submissions from 2 submitters: Uncertain significance (2). Last evaluated 2024-10-07.

Conditions:
Combined oxidative phosphorylation defect type 27. Also called: Combined oxidative phosphorylation deficiency 27. Identifiers: Orphanet 477774, MedGen C5567608, MONDO:0014728, OMIM 616672.
Inborn genetic diseases. Identifiers: MedGen C0950123, MeSH D030342.

Allele frequency attached by ClinVar (database versions not stated): TOPMed 0.00005.
gnomAD v4.1: 208 of 1,607,906 alleles (0.013%); highest among the groups gnomAD compares: Non-Finnish European, 0.016%; no homozygotes.

Submissions (2):

Ambry Genetics
Classification: Uncertain significance for Inborn genetic diseases. Last evaluated: 2024-10-07. Review status: criteria provided, single submitter. Criteria: Ambry Variant Classification Scheme 2023. Collection method: clinical testing. Allele origin: germline.

Labcorp Genetics (formerly Invitae), Labcorp
Classification: Uncertain significance for Combined oxidative phosphorylation defect type 27. Last evaluated: 2022-10-13. Review status: criteria provided, single submitter. Criteria: Invitae Variant Classification Sherloc (09022015). Collection method: clinical testing. Allele origin: germline.
Comment: This sequence change replaces glutamic acid, which is acidic and polar, with lysine, which is basic and polar, at codon 480 of the CARS2 protein (p.Glu480Lys). This variant is present in population databases (rs192532265, gnomAD 0.01%). This variant has not been reported in the literature in individuals affected with CARS2-related conditions. ClinVar contains an entry for this variant (Variation ID: 950620). Advanced modeling of protein sequence and biophysical properties (such as structural, functional, and spatial information, amino acid conservation, physicochemical variation, residue mobility, and thermodynamic stability) performed at Invitae indicates that this missense variant is not expected to disrupt CARS2 protein function. In summary, the available evidence is currently insufficient to determine the role of this variant in disease. Therefore, it has been classified as a Variant of Uncertain Significance.

NM_024537.4(CARS2):c.1438G>A (p.Glu480Lys)

Gene: CARS2 (cysteinyl-tRNA synthetase 2, mitochondrial; minus strand). Cytogenetic location: 13q34.
Variant type: single nucleotide variant.
Coding change: c.1438G>A on transcript NM_024537.4 (MANE Select); coding-DNA position 1438, G replaced by A.
Protein change: p.Glu480Lys; replaces glutamic acid 480 with lysine.
Molecular consequence: missense variant. On other transcripts: non-coding transcript variant (2).
Genome position (GRCh38, 1-based): chr13:110,642,500, C>T on the plus strand (G>A on the coding strand, the complement: CARS2 is on the minus strand). VCF-style: chr13-110642500-C-T. GRCh37 (hg19) VCF-style: chr13-111294847-C-T.
Other names: c.652G>A, p.Glu218Lys (NM_001352252.2); c.1438G>A (NM_024537.2); short protein forms E480K, E218K.
Identifiers: ClinVar variation 950620 (VCV000950620.8), dbSNP rs192532265, ClinGen allele CA7051653.